The following is an entry in ClinVar:

ClinVar aggregate classification (germline): Pathogenic. Review status: criteria provided, multiple submitters, no conflicts (2 of 4 stars). 3 submissions from 3 submitters: Pathogenic (2). 1 of the submissions does not count toward it. Last evaluated 2024-06-18.

Conditions:
Ehlers-Danlos syndrome due to tenascin-X deficiency (EDSCLL1). Also called: EDS DUE TO TNX DEFICIENCY; TNX DEFICIENCY; EHLERS-DANLOS SYNDROME, CLASSIC-LIKE; Ehlers-Danlos syndrome, classic-like, 1; TNXB-Related Classical-Like Ehlers-Danlos Syndrome. Identifiers: Orphanet 230839, MedGen C1848029, MONDO:0011670, OMIM 606408.
TNXB-related disorder. Also called: TNXB-related condition.
Cardiovascular phenotype. Identifiers: MedGen CN230736.

Allele frequency attached by ClinVar (database versions not stated): gnomAD exomes below 0.00001.
gnomAD v4.1: 5 of 1,612,424 alleles (0.00031%); highest among the groups gnomAD compares: Non-Finnish European, 0.00034%; no homozygotes.

Submissions (3):

Myriad Genetics, Inc.
Classification: Pathogenic for Ehlers-Danlos syndrome due to tenascin-X deficiency. Last evaluated: 2024-06-18. Review status: criteria provided, single submitter. Criteria: Myriad Autosomal Dominant, Autosomal Recessive and X-Linked Classification Criteria (2023). Collection method: clinical testing. Allele origin: unknown.
Comment: NM_019105.6(TNXB):c.4573C>T(R1525*) is expected to be pathogenic in the context of classical-like Ehlers-Danlos syndrome, TNXB-related. This variant is predicted to lead to an abnormal or absent protein product due to the creation of a premature termination codon in TNXB, a gene where loss-of-function variants are known to be pathogenic. Please note: this variant was assessed in the context of healthy population screening.

Ambry Genetics
Classification: Pathogenic for Cardiovascular phenotype. Last evaluated: 2021-08-02. Review status: criteria provided, single submitter. Criteria: Ambry Variant Classification Scheme 2023. Collection method: clinical testing. Allele origin: germline.
Comment: The c.4573C>T (p.R1525*) alteration, located in exon 12 (coding exon 11) of the TNXB gene, consists of a C to T substitution at nucleotide position 4573. This changes the amino acid from an arginine (R) to a stop codon at amino acid position 1525. This alteration is expected to result in loss of function by premature protein truncation or nonsense-mediated mRNA decay. Based on data from gnomAD, the T allele has an overall frequency of <0.01% (1/243218) total alleles studied. Based on the available evidence, this alteration is classified as pathogenic.

PreventionGenetics, part of Exact Sciences
Classification: Likely pathogenic for TNXB-related condition. Last evaluated: 2023-11-15. Review status: no assertion criteria provided. Collection method: clinical testing. Allele origin: germline. Not counted in ClinVar's aggregate classification.
Comment: The TNXB c.4573C>T variant is predicted to result in premature protein termination (p.Arg1525*). To our knowledge, this variant has not been reported in the literature. This variant is reported in 0.00091% of alleles in individuals of European (Non-Finnish) descent in gnomAD. Nonsense variants in TNXB are expected to be pathogenic. This variant is interpreted as likely pathogenic.

NM_001365276.2(TNXB):c.4573C>T (p.Arg1525Ter)

Gene: TNXB (tenascin XB; minus strand). Cytogenetic location: 6p21.33.
Variant type: single nucleotide variant.
Coding change: c.4573C>T on transcript NM_001365276.2 (MANE Select); coding-DNA position 4573, C replaced by T.
Protein change: p.Arg1525Ter; replaces arginine 1525 with a stop codon.
Molecular consequence: nonsense.
Genome position (GRCh38, 1-based): chr6:32,073,755, G>A on the plus strand (C>T on the coding strand, the complement: TNXB is on the minus strand). VCF-style: chr6-32073755-G-A. GRCh37 (hg19) VCF-style: chr6-32041532-G-A.
Other names: c.4573C>T, p.Arg1525Ter (NM_019105.8); short protein forms R1525*.
Identifiers: ClinVar variation 2391120 (VCV002391120.5), dbSNP rs779751914, ClinGen allele CA136890591.